The following is an entry in ClinVar:

ClinVar aggregate classification (germline): Conflicting classifications of pathogenicity. Review status: criteria provided, conflicting classifications (1 of 4 stars). 14 submissions from 14 submitters: Uncertain significance (1); Benign (9); Likely benign (3). 1 of the submissions does not count toward it. Last evaluated 2026-09-01.

Conditions:
Mitochondrial DNA depletion syndrome 12A (cardiomyopathic type), autosomal dominant. Also called: Mitochondrial DNA depletion syndrome 12A (cardiomyopathic type) AD. Identifiers: MedGen C4310676, MONDO:0014959, OMIM 617184.
Hirschsprung disease, susceptibility to, 2. Identifiers: Orphanet 388, MedGen C1838564, MONDO:0010833, OMIM 600155.
ABCD syndrome (ABCDS). Identifiers: MedGen C1838099, MONDO:0010895, OMIM 600501.
Waardenburg syndrome type 4A (WS4A). Also called: WAARDENBURG SYNDROME WITH HIRSCHSPRUNG DISEASE, TYPE 4A. Identifiers: Orphanet 897, MedGen C1848519, MONDO:0010192, OMIM 277580.
Waardenburg syndrome type 2A (WS2A). Also called: WAARDENBURG SYNDROME WITHOUT DYSTOPIA CANTHORUM. Identifiers: Orphanet 3440, MedGen C1860339, MONDO:0008671, OMIM 193510.

Allele frequency attached by ClinVar (database versions not stated): 1000 Genomes Project 0.00499; ExAC 0.00891; gnomAD 0.01109 and 0.01058; 1000 Genomes Project 30x 0.00562; TOPMed 0.00990; gnomAD exomes 0.01004.
gnomAD v4.1: 19,636 of 1,611,268 alleles (1.2%); highest among the groups gnomAD compares: Non-Finnish European, 1.4%; 140 homozygotes.

Submissions (14):

CeGaT Center for Human Genetics Tuebingen
Classification: Benign. Last evaluated: 2026-09-01. Review status: criteria provided, single submitter. Criteria: CeGaT Center For Human Genetics Tuebingen Variant Classification Criteria Version 2. Collection method: clinical testing. Allele origin: germline. Affected: yes. Observed: 14 variant alleles.
Comment: EDNRB: BS1, BS2

Labcorp Genetics (formerly Invitae), Labcorp
Classification: Benign. Last evaluated: 2026-01-20. Review status: criteria provided, single submitter. Criteria: Invitae Variant Classification Sherloc (09022015). Collection method: clinical testing. Allele origin: germline.

Blueprint Genetics
Classification: Likely benign. Last evaluated: 2024-11-27. Review status: criteria provided, single submitter. Criteria: ACMG Guidelines, 2015. Collection method: clinical testing. Allele origin: germline.

Department of Pathology and Laboratory Medicine, Sinai Health System
Classification: Benign for Waardenburg syndrome type 4A; Hirschsprung disease, susceptibility to, 2; ABCD syndrome. Last evaluated: 2023-04-22. Review status: criteria provided, single submitter. Criteria: ACMG Guidelines, 2015. Collection method: research. Allele origin: germline.

GeneDx
Classification: Benign. Last evaluated: 2019-05-10. Review status: criteria provided, single submitter. Criteria: GeneDx Variant Classification Process June 2021. Collection method: clinical testing. Allele origin: germline. Affected: yes.
Comment: This variant is associated with the following publications: (PMID: 22995991, 26764160, 27535533, 10874640, 8852659, 21507037)

Athena Diagnostics
Classification: Benign. Last evaluated: 2018-12-29. Review status: criteria provided, single submitter. Criteria: Athena Diagnostics Criteria. Collection method: clinical testing. Allele origin: germline.

Illumina Laboratory Services, Illumina
Classification: Uncertain significance for Hirschsprung disease, susceptibility to, 2. Last evaluated: 2018-03-06. Review status: criteria provided, single submitter. Criteria: ICSL Variant Classification Criteria 13 December 2019. Collection method: clinical testing. Allele origin: germline.

Eurofins Ntd Llc (ga)
Classification: Benign. Last evaluated: 2017-05-10. Review status: criteria provided, single submitter. Criteria: EGL Classification Definitions 2015. Collection method: clinical testing. Allele origin: germline. Observed: 1 variant allele, 1 heterozygote.

Laboratory of Human Genetics, Universidade de São Paulo
Classification: Likely benign for Waardenburg syndrome type 2A. Last evaluated: 2017-03-01. Review status: criteria provided, single submitter. Criteria: ACMG Guidelines, 2015. Collection method: research. Allele origin: unknown. Inheritance: Autosomal dominant inheritance. Affected: yes.

Center for Human Genetics, Inc
Classification: Likely benign for Waardenburg syndrome type 4A. Last evaluated: 2016-11-01. Review status: criteria provided, single submitter. Criteria: ACMG Guidelines, 2015. Collection method: clinical testing. Allele origin: germline. Affected: yes.

Laboratory for Molecular Medicine, Mass General Brigham Personalized Medicine
Classification: Benign. Last evaluated: 2015-01-13. Review status: criteria provided, single submitter. Criteria: LMM Criteria. Collection method: clinical testing. Allele origin: germline. Observed: 18 variant alleles.
Comment: p.Ser395Asn in exon 5 of EDNRB: This variant is not expected to have clinical si gnificance because it has been identified in 1.4% (119/8600) of European America n chromosomes from a broad population by the NHLBI Exome Sequencing Project (dbSNP rs5352).

Broad Center for Mendelian Genomics, Broad Institute of MIT and Harvard
Classification: Benign for Mitochondrial DNA depletion syndrome 12A (cardiomyopathic type), autosomal dominant. Review status: criteria provided, single submitter. Criteria: ACMG Guidelines, 2015. Collection method: research. Allele origin: germline. Inheritance: Autosomal dominant inheritance. Affected: yes.
Comment: The heterozygous p.Ser305Asn variant, sometimes called p.Ser205Asn or p.Ser295Asn, in EDNRB has been identified in at least 6 individuals with Hirschsprung disease, including 4 relatives from 1 family (PMID: 8852659, 10874640, 22995991). However, this variant does not segregate with disease (PMID: 10874640), and has been identified in >2% of European (Finnish) chromosomes and 5 homozygotes in ExAC. In summary, this variant meets criteria to be classified as benign for Hirschsprung disease.

PreventionGenetics, part of Exact Sciences
Classification: Benign. Review status: criteria provided, single submitter. Criteria: ACMG Guidelines, 2015. Collection method: clinical testing. Allele origin: germline.

OMIM
Classification: risk factor for HIRSCHSPRUNG DISEASE, SUSCEPTIBILITY TO, 2. Last evaluated: 1999-04-01. Review status: no assertion criteria provided. Collection method: literature only. Allele origin: germline. Not counted in ClinVar's aggregate classification.

Literature cited by the submitters: PubMed 8852659 (cited by Athena Diagnostics and Broad Center for Mendelian Genomics, Broad Institute of MIT and Harvard); PubMed 10090908 (cited by Athena Diagnostics and OMIM); PubMed 16145050 (cited by Athena Diagnostics); PubMed 16954478 (cited by Athena Diagnostics); PubMed 20009762 (cited by Athena Diagnostics); PubMed 29407415 (cited by Athena Diagnostics and Laboratory of Human Genetics, Universidade de São Paulo); PubMed 22993632 (cited by Athena Diagnostics); PubMed 21507037 (cited by Athena Diagnostics); PubMed 19320733 (cited by Athena Diagnostics); PubMed 10874640 (cited by Broad Center for Mendelian Genomics, Broad Institute of MIT and Harvard); PubMed 22995991 (cited by Broad Center for Mendelian Genomics, Broad Institute of MIT and Harvard); PubMed 27535533 (cited by OMIM).

NM_001122659.3(EDNRB):c.914G>A (p.Ser305Asn)

Genes: EDNRB (endothelin receptor type B; minus strand), EDNRB-AS1 (EDNRB antisense RNA 1; plus strand). Cytogenetic location: 13q22.3.
Variant type: single nucleotide variant.
Coding change: c.914G>A on transcript NM_001122659.3 (MANE Select); coding-DNA position 914, G replaced by A.
Protein change: p.Ser305Asn; replaces serine 305 with asparagine.
Molecular consequence: missense variant.
Genome position (GRCh38, 1-based): chr13:77,901,095, C>T on the plus strand (G>A on the coding strand, the complement: EDNRB is on the minus strand). VCF-style: chr13-77901095-C-T. GRCh37 (hg19) VCF-style: chr13-78475230-C-T.
Other names: c.914G>A, p.Ser305Asn (NM_000115.5, NM_003991.4); c.1184G>A, p.Ser395Asn (NM_001201397.2); short protein forms S305N, S395N.
Identifiers: ClinVar variation 16638 (VCV000016638.50), dbSNP rs5352, ClinGen allele CA257563.